The following is an entry in ClinVar:

ClinVar aggregate classification (germline): Pathogenic (1 of 4 stars; one submission).

Submission:

Labcorp Genetics (formerly Invitae), Labcorp
Classification: Pathogenic. Last evaluated: 2021-03-22. Review status: criteria provided, single submitter. Criteria: Invitae Variant Classification Sherloc (09022015). Collection method: clinical testing. Allele origin: germline.
Comment: This variant is not present in population databases (ExAC no frequency). This variant disrupts the C-terminus of the VPS13A protein. Other variant(s) that disrupt this region (p.Glu3144Valfs*6) have been determined to be pathogenic (PMID: 12404112, 30713887, 31543803). This suggests that variants that disrupt this region of the protein are likely to be causative of disease. This variant has not been reported in the literature in individuals with VPS13A-related conditions. This sequence change creates a premature translational stop signal (p.Arg3129Profs*20) in the VPS13A gene. While this is not anticipated to result in nonsense mediated decay, it is expected to disrupt the last 46 amino acid(s) of the VPS13A protein. For these reasons, this variant has been classified as Pathogenic.

Literature cited by the submitters: PubMed 12404112; PubMed 30713887; PubMed 31543803.

NM_033305.3(VPS13A):c.9349_9383dup (p.Arg3129fs)

Gene: VPS13A (vacuolar protein sorting 13 homolog A; plus strand). Cytogenetic location: 9q21.2.
Variant type: Duplication.
Coding change: c.9349_9383dup on transcript NM_033305.3 (MANE Select); coding-DNA positions 9349 to 9383, 35 bases duplicated.
Protein change: p.Arg3129fs; shifts the reading frame from arginine 3129.
Molecular consequence: frameshift variant.
Genome position (GRCh38, 1-based): chr9:77,405,937-77,405,971, 35 bases duplicated; duplicating any 35 consecutive bases within chr9:77,405,935-77,405,971 gives the same sequence; the c. name uses the placement nearest the transcript's 3' end. GRCh37 (hg19): chr9:80,020,853-80,020,887.
Other names: c.9232_9266dup, p.Arg3090fs (NM_001018037.2); short protein forms R3129fs, R3090fs.
Identifiers: ClinVar variation 1456532 (VCV001456532.8), dbSNP rs2131654698, ClinGen allele CA2573144735.